The following is an entry in ClinVar:

NM_003742.4(ABCB11):c.3429C>G (p.Asp1143Glu)

Gene: ABCB11 (ATP binding cassette subfamily B member 11; minus strand). Cytogenetic location: 2q31.1.
Variant type: single nucleotide variant.
Coding change: c.3429C>G on transcript NM_003742.4 (MANE Select); coding-DNA position 3429, C replaced by G.
Protein change: p.Asp1143Glu; replaces aspartic acid 1143 with glutamic acid.
Molecular consequence: missense variant.
Genome position (GRCh38, 1-based): chr2:168,927,345, G>C on the plus strand (C>G on the coding strand, the complement: ABCB11 is on the minus strand). VCF-style: chr2-168927345-G-C. GRCh37 (hg19) VCF-style: chr2-169783855-G-C.
Other names: NM_003742.4(ABCB11):c.3429C>G; p.Asp1143Glu; short protein forms D1143E.
Identifiers: ClinVar variation 2073872 (VCV002073872.3), dbSNP rs531704947, ClinGen allele CA1951015.

ClinVar aggregate classification (germline): Uncertain significance. Review status: criteria provided, multiple submitters, no conflicts (2 of 4 stars). 3 submissions from 3 submitters: Uncertain significance (3). Last evaluated 2026-04-14.

Conditions:
Familial intrahepatic cholestasis. Identifiers: Orphanet 284385, MedGen CN296401, MONDO:0017290.
Progressive familial intrahepatic cholestasis type 2. Identifiers: Orphanet 79304, MedGen C3489789, MONDO:0011156, OMIM 601847.

Allele frequency attached by ClinVar (database versions not stated): gnomAD exomes below 0.00001; ExAC 0.00001; gnomAD 0.00001; TOPMed 0.00003.
gnomAD v4.1: 4 of 1,613,692 alleles (0.00025%); highest among the groups gnomAD compares: East Asian, 0.0067%; no homozygotes.

Submissions (3):

Genomenon, Inc
Classification: Uncertain significance for Familial intrahepatic cholestasis. Last evaluated: 2026-04-14. Review status: criteria provided, single submitter. Criteria: Genomenon Sequence Variant Interpretation Standards - Updated. Collection method: curation. Allele origin: germline. Affected: yes.
Comment: ABCB11 p.Asp1143Glu (c.3429C>G) is a missense variant that changes the amino acid at residue 1143 from Aspartic acid to Glutamic acid. This variant has been observed in at least one proband with an ABCB11-related disorder (PMID:30366773). It is absent or not present at a significant frequency in gnomAD. In conclusion, we classify ABCB11 p.Asp1143Glu (c.3429C>G) as a variant of uncertain significance.

Broad Center for Mendelian Genomics, Broad Institute of MIT and Harvard
Classification: Uncertain significance for Progressive familial intrahepatic cholestasis type 2. Last evaluated: 2025-01-23. Review status: criteria provided, single submitter. Criteria: ACMG Guidelines, 2015. Collection method: curation. Allele origin: germline. Inheritance: Autosomal recessive inheritance.
Comment: The p.Asp1143Glu variant in ABCB11 has been reported in one individual with BSEP deficiency (PMID: 30366773), and has been identified in 0.007% (3/44876) of East Asian chromosomes by the Genome Aggregation Database (gnomAD; dbSNP rs531704947). Although this variant has been seen in the general population in a heterozygous state, its frequency is low enough to be consistent with a recessive carrier frequency. This variant has also been reported in ClinVar (Variation ID: 2073872) and has been interpreted as a variant of uncertain significance by Invitae. Computational prediction tools and conservation analyses do not provide strong support for or against an impact to the protein. In summary, the clinical significance of the p.Asp1143Glu variant is uncertain. ACMG/AMP Criteria applied: PM2_supporting (Richards 2015).

Labcorp Genetics (formerly Invitae), Labcorp
Classification: Uncertain significance. Last evaluated: 2021-10-06. Review status: criteria provided, single submitter. Criteria: Invitae Variant Classification Sherloc (09022015). Collection method: clinical testing. Allele origin: germline.
Comment: This sequence change replaces aspartic acid with glutamic acid at codon 1143 of the ABCB11 protein (p.Asp1143Glu). The aspartic acid residue is moderately conserved and there is a small physicochemical difference between aspartic acid and glutamic acid. This variant is present in population databases (rs531704947, ExAC 0.01%). This variant has not been reported in the literature in individuals with ABCB11-related disease. Algorithms developed to predict the effect of missense changes on protein structure and function do not agree on the potential impact of this missense change (SIFT: "Deleterious"; PolyPhen-2: "Benign"; Align-GVGD: "Class C0"). In summary, the available evidence is currently insufficient to determine the role of this variant in disease. Therefore, it has been classified as a Variant of Uncertain Significance.

Literature cited by the submitters: PubMed 30366773 (cited by Genomenon, Inc).